The following is an entry in ClinVar:

NM_000059.4(BRCA2):c.-40+1G>T

Genes: BRCA2 (BRCA2 DNA repair associated; plus strand), LOC106721785 (BRCA2 promoter/silencer region; plus strand). Cytogenetic location: 13q13.1.
Variant type: single nucleotide variant.
Coding change: c.-40+1G>T on transcript NM_000059.4 (MANE Select); the canonical splice donor site of the intron after 40 bases upstream of the start codon, G replaced by T.
Molecular consequence: splice donor variant.
Genome position (GRCh38, 1-based): chr13:32,315,668, G>T. VCF-style: chr13-32315668-G-T. GRCh37 (hg19) VCF-style: chr13-32889805-G-T.
Other names: c.-40+1G>T (NM_000059.3, NM_001406720.1, NM_001406719.1 and 1 more transcripts); c.-303+1G>T (NM_001406722.1).
Identifiers: ClinVar variation 2116024 (VCV002116024.5), dbSNP rs2072249096, ClinGen allele CA2580086914.

ClinVar aggregate classification (germline): Likely pathogenic. Review status: criteria provided, single submitter (1 of 4 stars). 2 submissions from 2 submitters: Likely pathogenic (1). 1 of the submissions does not count toward it. Last evaluated 2026-01-12.

Conditions:
BRCA2-related disorder. Also called: BRCA2-related condition; BRCA2-related disorders. Identifiers: MedGen CN239275.
Hereditary breast ovarian cancer syndrome. Also called: Hereditary breast and ovarian cancer syndrome; Hereditary breast and ovarian cancer; Hereditary breast and ovarian cancer syndrome (HBOC); Hereditary breast and/or ovarian cancer syndrome; Breast and ovarian cancer; BRCA1- and BRCA2-Associated Hereditary Breast and Ovarian Cancer. Identifiers: Orphanet 145, MedGen C0677776, MeSH D061325, MONDO:0003582. Disease mechanism: loss of function.

Submissions (2):

Labcorp Genetics (formerly Invitae), Labcorp
Classification: Likely pathogenic for Hereditary breast ovarian cancer syndrome. Last evaluated: 2026-01-12. Review status: criteria provided, single submitter. Criteria: Invitae Variant Classification Sherloc (09022015). Collection method: clinical testing. Allele origin: germline.
Comment: This variant occurs in a non-coding region of the BRCA2 gene. It does not change the encoded amino acid sequence of the BRCA2 protein. It affects a nucleotide within the consensus splice site. This variant is not present in population databases (gnomAD no frequency). Disruption of this splice site has been observed in individual(s) with Fanconi anemia (PMID: 24395671). In at least one individual the data is consistent with being in trans (on the opposite chromosome) from a pathogenic variant. ClinVar contains an entry for this variant (Variation ID: 2116024). Algorithms developed to predict the effect of variants on gene product structure and function are not available or were not evaluated for this variant. Experimental studies have shown that disruption of this splice site affects BRCA2 function (PMID: 24395671). Variants that disrupt the consensus splice site are a relatively common cause of aberrant splicing (PMID: 17576681, 9536098). Studies have shown that disruption of this splice site is associated with altered splicing resulting in alteration to a non-coding region of the gene (PMID: 24395671). In summary, the currently available evidence indicates that the variant is pathogenic, but additional data are needed to prove that conclusively. Therefore, this variant has been classified as Likely Pathogenic.

PreventionGenetics, part of Exact Sciences
Classification: Uncertain significance for BRCA2-related condition. Last evaluated: 2024-07-02. Review status: no assertion criteria provided. Collection method: clinical testing. Allele origin: germline. Not counted in ClinVar's aggregate classification.
Comment: The BRCA2 c.-40+1G>T variant is located in the 5' untranslated region. This variant has been reported in one individual with Fanconi Anemia and functional studies showed impacted splicing but were overall inconclusive regarding the pathogenicity of this variant (Bakker et al. 2014. PubMed ID: 24395671). This variant is absent in a large population database, indicating this variant is rare. This variant is interpreted as uncertain significance in ClinVar. At this time, the clinical significance of this variant is uncertain due to the absence of conclusive functional and genetic evidence.

Literature cited by the submitters: PubMed 24395671 (cited by Labcorp Genetics (formerly Invitae), Labcorp); PubMed 17576681 (cited by Labcorp Genetics (formerly Invitae), Labcorp); PubMed 9536098 (cited by Labcorp Genetics (formerly Invitae), Labcorp).